The following is an entry in ClinVar:

NM_153704.6(TMEM67):c.652-16A>G

Gene: TMEM67 (transmembrane protein 67; plus strand). Cytogenetic location: 8q22.1.
Variant type: single nucleotide variant.
Coding change: c.652-16A>G on transcript NM_153704.6 (MANE Select); 16 bases into the intron before coding-DNA position 652, A replaced by G.
Molecular consequence: intron variant.
Genome position (GRCh38, 1-based): chr8:93,772,573, A>G. VCF-style: chr8-93772573-A-G. GRCh37 (hg19) VCF-style: chr8-94784801-A-G.
Other names: c.409-16A>G (NM_001142301.1).
Identifiers: ClinVar variation 384951 (VCV000384951.6), dbSNP rs569346767, ClinGen allele CA4807738.

ClinVar aggregate classification (germline): Likely benign. Review status: criteria provided, multiple submitters, no conflicts (2 of 4 stars). 2 submissions from 2 submitters: Likely benign (2). Last evaluated 2025-03-01.

Conditions:
Meckel-Gruber syndrome. Also called: Dysencephalia splachnocystica; GRUBER SYNDROME; DYSENCEPHALIA SPLANCHNOCYSTICA. Identifiers: Orphanet 564, MedGen C0265215, MONDO:0018921.
Joubert syndrome. Also called: JOUBERT-BOLTSHAUSER SYNDROME; Familial aplasia of the vermis; CEREBELLOPARENCHYMAL DISORDER IV. Identifiers: Orphanet 475, MedGen C5979921, MONDO:0018772.

Allele frequency attached by ClinVar (database versions not stated): gnomAD exomes 0.00001 and 0.00004; TOPMed 0.00001; ExAC 0.00003; gnomAD 0.00003; 1000 Genomes Project 30x 0.00016; 1000 Genomes Project 0.00020.
gnomAD v4.1: 24 of 1,601,848 alleles (0.0015%); highest among the groups gnomAD compares: South Asian, 0.012%; no homozygotes.

Submissions (2):

Labcorp Genetics (formerly Invitae), Labcorp
Classification: Likely benign for Joubert syndrome; Meckel-Gruber syndrome. Last evaluated: 2025-03-01. Review status: criteria provided, single submitter. Criteria: Invitae Variant Classification Sherloc (09022015). Collection method: clinical testing. Allele origin: germline.

GeneDx
Classification: Likely benign. Last evaluated: 2016-03-31. Review status: criteria provided, single submitter. Criteria: GeneDx Variant Classification (06012015). Collection method: clinical testing. Allele origin: germline. Affected: yes.
Comment: This variant is considered likely benign or benign based on one or more of the following criteria: it is a conservative change, it occurs at a poorly conserved position in the protein, it is predicted to be benign by multiple in silico algorithms, and/or has population frequency not consistent with disease.